The following is an entry in ClinVar:

NM_001613.4(ACTA2):c.174C>G (p.Asp58Glu)

Gene: ACTA2 (actin alpha 2, smooth muscle; minus strand). Cytogenetic location: 10q23.31.
Variant type: single nucleotide variant.
Coding change: c.174C>G on transcript NM_001613.4 (MANE Select); coding-DNA position 174, C replaced by G.
Protein change: p.Asp58Glu; replaces aspartic acid 58 with glutamic acid.
Molecular consequence: missense variant. On other transcripts: intron variant (3).
Genome position (GRCh38, 1-based): chr10:88,947,342, G>C on the plus strand (C>G on the coding strand, the complement: ACTA2 is on the minus strand). VCF-style: chr10-88947342-G-C. GRCh37 (hg19) VCF-style: chr10-90707099-G-C.
Other names: c.174C>G, p.Asp58Glu (NM_001141945.3, NM_001320855.2, NM_001406462.1 and 4 more transcripts); c.129+1460C>G (NM_001406467.1, NM_001406468.1, NM_001406469.1); short protein forms D58E.
Identifiers: ClinVar variation 4707227 (VCV004707227.1).
Genomic context (GRCh38, chr10:88,947,342, plus strand): 5'-GATGATGCCATGTTCTATCGGGTACTTCAGGGTCAGGATTCCTCTTTTGCTCTGTGCTTC[G>C]TCACCCACGTAGCTGTCTTTTTGTCCCATTCCCACCATCACCCCCTAAAAAGGTTCAACA-3'
Protein context (NP_001604.1, residues 48-68): GMGQKDSYVG[Asp58Glu]EAQSKRGILT

ClinVar aggregate classification (germline): Uncertain significance (1 of 4 stars; one submission).

Conditions:
Aortic aneurysm, familial thoracic 6 (AAT6). Also called: FAMILIAL THORACIC AORTIC ANEURYSM WITH LIVEDO RETICULARIS AND IRIS FLOCCULI. Identifiers: MedGen C2673186, MONDO:0012730, OMIM 611788.

Submission:

Labcorp Genetics (formerly Invitae), Labcorp
Classification: Uncertain significance for Aortic aneurysm, familial thoracic 6. Last evaluated: 2025-11-02. Review status: criteria provided, single submitter. Criteria: Invitae Variant Classification Sherloc (09022015). Collection method: clinical testing. Allele origin: germline.
Comment: This sequence change replaces aspartic acid, which is acidic and polar, with glutamic acid, which is acidic and polar, at codon 58 of the ACTA2 protein (p.Asp58Glu). This variant is present in population databases (rs150547139, gnomAD 0.0009%). This variant has not been reported in the literature in individuals affected with ACTA2-related conditions. Invitae Evidence Modeling of protein sequence and biophysical properties (such as structural, functional, and spatial information, amino acid conservation, physicochemical variation, residue mobility, and thermodynamic stability) indicates that this missense variant is not expected to disrupt ACTA2 protein function with a negative predictive value of 80%. In summary, the available evidence is currently insufficient to determine the role of this variant in disease. Therefore, it has been classified as a Variant of Uncertain Significance.